The following is an entry in ClinVar:

ClinVar aggregate classification (germline): Uncertain significance (1 of 4 stars; one submission).

Conditions:
Pierson syndrome. Also called: MICROCORIA-CONGENITAL NEPHROTIC SYNDROME. Identifiers: Orphanet 2670, MedGen C1836876, MONDO:0012184, OMIM 609049.
LAMB2-related infantile-onset nephrotic syndrome. Also called: Nephrotic Syndrome, type 5; NEPHROTIC SYNDROME, TYPE 5, WITHOUT OCULAR ABNORMALITIES; NEPHROTIC SYNDROME, TYPE 5, WITH OCULAR ABNORMALITIES. Identifiers: Orphanet 306507, MedGen C3280113, MONDO:0013621, OMIM 614199.

Allele frequency attached by ClinVar (database versions not stated): gnomAD exomes 0.00001 and 0.00002; TOPMed 0.00001; gnomAD 0.00002 and 0.00003; ESP Exome Variant Server 0.00008.
gnomAD v4.1: 26 of 1,613,446 alleles (0.0016%); highest among the groups gnomAD compares: Admixed American, 0.0083%; no homozygotes.

Submission:

Labcorp Genetics (formerly Invitae), Labcorp
Classification: Uncertain significance for LAMB2-related infantile-onset nephrotic syndrome; Pierson syndrome. Last evaluated: 2022-08-19. Review status: criteria provided, single submitter. Criteria: Invitae Variant Classification Sherloc (09022015). Collection method: clinical testing. Allele origin: germline.
Comment: This sequence change replaces arginine, which is basic and polar, with glutamine, which is neutral and polar, at codon 1101 of the LAMB2 protein (p.Arg1101Gln). This variant is present in population databases (rs140199337, gnomAD 0.006%). This variant has not been reported in the literature in individuals affected with LAMB2-related conditions. ClinVar contains an entry for this variant (Variation ID: 1365540). Algorithms developed to predict the effect of missense changes on protein structure and function output the following: SIFT: "Tolerated"; PolyPhen-2: "Benign"; Align-GVGD: "Class C0". The glutamine amino acid residue is found in multiple mammalian species, which suggests that this missense change does not adversely affect protein function. Algorithms developed to predict the effect of sequence changes on RNA splicing suggest that this variant may create or strengthen a splice site. In summary, the available evidence is currently insufficient to determine the role of this variant in disease. Therefore, it has been classified as a Variant of Uncertain Significance.

NM_002292.4(LAMB2):c.3302G>A (p.Arg1101Gln)

Gene: LAMB2 (laminin subunit beta 2; minus strand). Cytogenetic location: 3p21.31.
Variant type: single nucleotide variant.
Coding change: c.3302G>A on transcript NM_002292.4 (MANE Select); coding-DNA position 3302, G replaced by A.
Protein change: p.Arg1101Gln; replaces arginine 1101 with glutamine.
Molecular consequence: missense variant.
Genome position (GRCh38, 1-based): chr3:49,124,420, C>T on the plus strand (G>A on the coding strand, the complement: LAMB2 is on the minus strand). VCF-style: chr3-49124420-C-T. GRCh37 (hg19) VCF-style: chr3-49161853-C-T.
Other names: short protein forms R1101Q.
Identifiers: ClinVar variation 1365540 (VCV001365540.5), dbSNP rs140199337, ClinGen allele CA74479615.